The following is an entry in ClinVar:

ClinVar aggregate classification (germline): Conflicting classifications of pathogenicity. Review status: criteria provided, conflicting classifications (1 of 4 stars). 2 submissions from 2 submitters: Likely pathogenic (1); Uncertain significance (1). Last evaluated 2025-02-05.

Conditions:
Hypertrophic cardiomyopathy. Also called: HYPERTROPHIC MYOCARDIOPATHY. Identifiers: Orphanet 217569, MedGen C0007194, MeSH D002312, MONDO:0005045, HP:0001639.

Submissions (2):

Labcorp Genetics (formerly Invitae), Labcorp
Classification: Uncertain significance for Hypertrophic cardiomyopathy. Last evaluated: 2025-02-05. Review status: criteria provided, single submitter. Criteria: Invitae Variant Classification Sherloc (09022015). Collection method: clinical testing. Allele origin: germline.
Comment: This sequence change replaces valine, which is neutral and non-polar, with phenylalanine, which is neutral and non-polar, at codon 236 of the MYH7 protein (p.Val236Phe). This variant is not present in population databases (gnomAD no frequency). This variant has not been reported in the literature in individuals affected with MYH7-related conditions. ClinVar contains an entry for this variant (Variation ID: 1046133). Invitae Evidence Modeling of protein sequence and biophysical properties (such as structural, functional, and spatial information, amino acid conservation, physicochemical variation, residue mobility, and thermodynamic stability) indicates that this missense variant is expected to disrupt MYH7 protein function with a positive predictive value of 95%. In summary, the available evidence is currently insufficient to determine the role of this variant in disease. Therefore, it has been classified as a Variant of Uncertain Significance.

GeneDx
Classification: Likely pathogenic. Last evaluated: 2019-10-17. Review status: criteria provided, single submitter. Criteria: GeneDx Variant Classification Process June 2021. Collection method: clinical testing. Allele origin: germline. Affected: yes.
Comment: Has not been previously published as pathogenic or benign to our knowledge; Not observed in large population cohorts (Lek et al., 2016); In silico analysis, which includes protein predictors and evolutionary conservation, supports a deleterious effect

NM_000257.4(MYH7):c.706G>T (p.Val236Phe)

Gene: MYH7 (myosin heavy chain 7; minus strand). Cytogenetic location: 14q11.2.
Variant type: single nucleotide variant.
Coding change: c.706G>T on transcript NM_000257.4 (MANE Select); coding-DNA position 706, G replaced by T.
Protein change: p.Val236Phe; replaces valine 236 with phenylalanine.
Molecular consequence: missense variant.
Genome position (GRCh38, 1-based): chr14:23,431,611, C>A on the plus strand (G>T on the coding strand, the complement: MYH7 is on the minus strand). VCF-style: chr14-23431611-C-A. GRCh37 (hg19) VCF-style: chr14-23900820-C-A.
Other names: short protein forms V236F.
Identifiers: ClinVar variation 1046133 (VCV001046133.11), dbSNP rs397516261, ClinGen allele CA389052217.
Genomic context (GRCh38, chr14:23,431,611, plus strand): 5'-CCAAGTCCCAAGGCCAAGGTCAGGGACCACTCACGAAGCGGGAGGAGTTGTCGTTCCGGA[C>A]GGTCTTGGCATTGCCAAAGGCCTCCAGAGCAGGGTTGGCCTGGATGATCTGGTCCTCCAG-3'
Protein context (NP_000248.2, residues 226-246): ALEAFGNAKT[Val236Phe]RNDNSSRFGK